The following is an entry in ClinVar:

NM_000016.6(ACADM):c.400A>G (p.Ile134Val)

Gene: ACADM (acyl-CoA dehydrogenase medium chain; plus strand). Cytogenetic location: 1p31.1.
Variant type: single nucleotide variant.
Coding change: c.400A>G on transcript NM_000016.6 (MANE Select); coding-DNA position 400, A replaced by G.
Protein change: p.Ile134Val; replaces isoleucine 134 with valine.
Molecular consequence: missense variant. On other transcripts: intron variant (1).
Genome position (GRCh38, 1-based): chr1:75,734,803, A>G. VCF-style: chr1-75734803-A-G. GRCh37 (hg19) VCF-style: chr1-76200488-A-G.
Other names: c.412A>G, p.Ile138Val (NM_001127328.3); c.292A>G, p.Ile98Val (NM_001286042.2); c.499A>G, p.Ile167Val (NM_001286043.2); c.-100+1881A>G (NM_001286044.2); short protein forms I138V, I167V, I98V, I134V.
Identifiers: ClinVar variation 1736992 (VCV001736992.2), dbSNP rs752041027, ClinGen allele CA913096.

ClinVar aggregate classification (germline): Uncertain significance (1 of 4 stars; one submission).

Conditions:
Inborn genetic diseases. Identifiers: MedGen C0950123, MeSH D030342.

Allele frequency attached by ClinVar (database versions not stated): gnomAD 0.00001; gnomAD exomes 0.00001; ExAC 0.00003.
gnomAD v4.1: 14 of 1,613,236 alleles (0.00087%); highest among the groups gnomAD compares: Non-Finnish European, 0.00068%; no homozygotes.

Submission:

Ambry Genetics
Classification: Uncertain significance for Inborn genetic diseases. Last evaluated: 2022-10-27. Review status: criteria provided, single submitter. Criteria: Ambry Variant Classification Scheme 2023. Collection method: clinical testing. Allele origin: germline.
Comment: The p.I134V variant (also known as c.400A>G), located in coding exon 6 of the ACADM gene, results from an A to G substitution at nucleotide position 400. The isoleucine at codon 134 is replaced by valine, an amino acid with highly similar properties. This amino acid position is conserved. In addition, the in silico prediction for this alteration is inconclusive. Since supporting evidence is limited at this time, the clinical significance of this alteration remains unclear.